The following is an entry in ClinVar:

ClinVar aggregate classification (germline): Benign/Likely benign. Review status: criteria provided, multiple submitters, no conflicts (2 of 4 stars). 3 submissions from 3 submitters: Benign (2); Likely benign (1). Last evaluated 2026-05-06.

Conditions:
Colorectal cancer, hereditary nonpolyposis, type 7. Identifiers: Orphanet 144, MedGen C1858380, MONDO:0013725, OMIM 614385.

Allele frequency attached by ClinVar (database versions not stated): gnomAD 0.00027 and 0.00029; gnomAD exomes 0.00009 and 0.00002; TOPMed 0.00031.
gnomAD v4.1: 67 of 1,614,082 alleles (0.0042%); highest among the groups gnomAD compares: Admixed American, 0.098%; 2 homozygotes.

Submissions (3):

Myriad Genetics, Inc.
Classification: Benign for Colorectal cancer, hereditary nonpolyposis, type 7. Last evaluated: 2026-05-06. Review status: criteria provided, single submitter. Criteria: Myriad Autosomal Dominant, Autosomal Recessive and X-Linked Classification Criteria (2023). Collection method: clinical testing. Allele origin: unknown.
Comment: This variant is considered benign. This variant is a silent/synonymous amino acid change and it is not expected to impact splicing.

Labcorp Genetics (formerly Invitae), Labcorp
Classification: Likely benign for Colorectal cancer, hereditary nonpolyposis, type 7. Last evaluated: 2025-08-20. Review status: criteria provided, single submitter. Criteria: Invitae Variant Classification Sherloc (09022015). Collection method: clinical testing. Allele origin: germline.

Ambry Genetics
Classification: Benign. Last evaluated: 2021-01-22. Review status: criteria provided, single submitter. Criteria: Ambry Variant Classification Scheme 2023. Collection method: clinical testing. Allele origin: germline.

NM_001040108.2(MLH3):c.4194T>C (p.Pro1398=)

Gene: MLH3 (mutL homolog 3; minus strand). Cytogenetic location: 14q24.3.
Variant type: single nucleotide variant.
Coding change: c.4194T>C on transcript NM_001040108.2 (MANE Select); coding-DNA position 4194, T replaced by C.
Protein change: p.Pro1398=; no amino-acid change (proline 1398 retained).
Molecular consequence: synonymous variant.
Genome position (GRCh38, 1-based): chr14:75,018,877, A>G on the plus strand (T>C on the coding strand, the complement: MLH3 is on the minus strand). VCF-style: chr14-75018877-A-G. GRCh37 (hg19) VCF-style: chr14-75485580-A-G.
Other names: c.4122T>C, p.Pro1374= (NM_014381.3).
Identifiers: ClinVar variation 1626708 (VCV001626708.11), dbSNP rs1304593902, ClinGen allele CA487175004.